The following is an entry in ClinVar:

NM_001171.6(ABCC6):c.2095G>A (p.Glu699Lys)

Gene: ABCC6 (ATP binding cassette subfamily C member 6; minus strand). Cytogenetic location: 16p13.11.
Variant type: single nucleotide variant.
Coding change: c.2095G>A on transcript NM_001171.6 (MANE Select); coding-DNA position 2095, G replaced by A.
Protein change: p.Glu699Lys; replaces glutamic acid 699 with lysine.
Molecular consequence: missense variant. On other transcripts: non-coding transcript variant (1).
Genome position (GRCh38, 1-based): chr16:16,182,564, C>T on the plus strand (G>A on the coding strand, the complement: ABCC6 is on the minus strand). VCF-style: chr16-16182564-C-T. GRCh37 (hg19) VCF-style: chr16-16276421-C-T.
Other names: c.1753G>A, p.Glu585Lys (NM_001351800.1); short protein forms E585K, E699K.
Identifiers: ClinVar variation 1920290 (VCV001920290.6), dbSNP rs1445084199, ClinGen allele CA394888545.

ClinVar aggregate classification (germline): Conflicting classifications of pathogenicity. Review status: criteria provided, conflicting classifications (1 of 4 stars). 3 submissions from 3 submitters: Likely pathogenic (1); Uncertain significance (2). Last evaluated 2024-01-03.

Conditions:
ABCC6-related disorder. Also called: ABCC6-related condition.
Arterial calcification, generalized, of infancy, 2. Identifiers: Orphanet 51608, MedGen C3276161, MONDO:0013768, OMIM 614473.
Autosomal recessive inherited pseudoxanthoma elasticum (PXE). Identifiers: Orphanet 758, MedGen CN032334, MONDO:0009925, OMIM 264800.
Pseudoxanthoma elasticum, forme fruste. Also called: PSEUDOXANTHOMA ELASTICUM, HETEROZYGOUS; Pseudoxanthoma Elasticum, Incomplete. Identifiers: Orphanet 758, MedGen C1867450, MONDO:0008333, OMIM 177850.

Allele frequency attached by ClinVar (database versions not stated): gnomAD 0.00001; gnomAD exomes 0.00001; TOPMed 0.00001.
gnomAD v4.1: 11 of 1,612,906 alleles (0.00068%); highest among the groups gnomAD compares: Admixed American, 0.0033%; no homozygotes.

Submissions (3):

Fulgent Genetics
Classification: Uncertain significance for Pseudoxanthoma elasticum, forme fruste; Autosomal recessive inherited pseudoxanthoma elasticum; Arterial calcification, generalized, of infancy, 2. Last evaluated: 2024-01-03. Review status: criteria provided, single submitter. Criteria: ACMG Guidelines, 2015. Collection method: clinical testing. Allele origin: germline.

Labcorp Genetics (formerly Invitae), Labcorp
Classification: Uncertain significance. Last evaluated: 2023-07-17. Review status: criteria provided, single submitter. Criteria: Invitae Variant Classification Sherloc (09022015). Collection method: clinical testing. Allele origin: germline.
Comment: In summary, the available evidence is currently insufficient to determine the role of this variant in disease. Therefore, it has been classified as a Variant of Uncertain Significance. Advanced modeling of protein sequence and biophysical properties (such as structural, functional, and spatial information, amino acid conservation, physicochemical variation, residue mobility, and thermodynamic stability) has been performed at Invitae for this missense variant, however the output from this modeling did not meet the statistical confidence thresholds required to predict the impact of this variant on ABCC6 protein function. ClinVar contains an entry for this variant (Variation ID: 1920290). This missense change has been observed in individual(s) with pseudoxanthoma elasticum (PMID: 34205333). This variant is present in population databases (no rsID available, gnomAD 0.007%). This sequence change replaces glutamic acid, which is acidic and polar, with lysine, which is basic and polar, at codon 699 of the ABCC6 protein (p.Glu699Lys).

Blueprint Genetics
Classification: Likely pathogenic for ABCC6-related disorders. Last evaluated: 2020-12-17. Review status: criteria provided, single submitter. Criteria: ACMG Guidelines, 2015. Collection method: clinical testing. Allele origin: germline. Affected: yes. Observed: 1 variant allele.

Literature cited by the submitters: PubMed 34205333 (cited by Labcorp Genetics (formerly Invitae), Labcorp).